The following is an entry in ClinVar:

NM_005901.6(SMAD2):c.556A>T (p.Ile186Phe)

Gene: SMAD2 (SMAD family member 2; minus strand). Cytogenetic location: 18q21.1.
Variant type: single nucleotide variant.
Coding change: c.556A>T on transcript NM_005901.6 (MANE Select); coding-DNA position 556, A replaced by T.
Protein change: p.Ile186Phe; replaces isoleucine 186 with phenylalanine.
Molecular consequence: missense variant.
Genome position (GRCh38, 1-based): chr18:47,868,422, T>A on the plus strand (A>T on the coding strand, the complement: SMAD2 is on the minus strand). VCF-style: chr18-47868422-T-A. GRCh37 (hg19) VCF-style: chr18-45394793-T-A.
Other names: c.556A>T, p.Ile186Phe (NM_001003652.4); c.466A>T, p.Ile156Phe (NM_001135937.3); c.556A>T (NM_005901.4); short protein forms I156F, I186F.
Identifiers: ClinVar variation 1359518 (VCV001359518.7), dbSNP rs773233757, ClinGen allele CA8956230.

ClinVar aggregate classification (germline): Uncertain significance. Review status: criteria provided, multiple submitters, no conflicts (2 of 4 stars). 2 submissions from 2 submitters: Uncertain significance (2). Last evaluated 2026-08-16.

Conditions:
Inborn genetic diseases. Identifiers: MedGen C0950123, MeSH D030342.

Allele frequency attached by ClinVar (database versions not stated): gnomAD exomes below 0.00001 and 0.00001; ExAC 0.00001.
gnomAD v4.1: 2 of 1,611,922 alleles (0.00012%); highest among the groups gnomAD compares: Non-Finnish European, 0.00017%; no homozygotes.

Submissions (2):

Ambry Genetics
Classification: Uncertain significance for Inborn genetic diseases. Last evaluated: 2026-08-16. Review status: criteria provided, single submitter. Criteria: Ambry Variant Classification Scheme 2023. Collection method: clinical testing. Allele origin: germline.
Comment: The p.I186F variant (also known as c.556A>T), located in coding exon 4 of the SMAD2 gene, results from an A to T substitution at nucleotide position 556. The isoleucine at codon 186 is replaced by phenylalanine, an amino acid with highly similar properties. This amino acid position is conserved. In addition, the in silico prediction for this alteration is inconclusive. Based on the available evidence, the clinical significance of this variant remains unclear.

Labcorp Genetics (formerly Invitae), Labcorp
Classification: Uncertain significance. Last evaluated: 2022-02-01. Review status: criteria provided, single submitter. Criteria: Invitae Variant Classification Sherloc (09022015). Collection method: clinical testing. Allele origin: germline.
Comment: This sequence change replaces isoleucine, which is neutral and non-polar, with phenylalanine, which is neutral and non-polar, at codon 186 of the SMAD2 protein (p.Ile186Phe). This variant is present in population databases (rs773233757, gnomAD 0.002%). In summary, the available evidence is currently insufficient to determine the role of this variant in disease. Therefore, it has been classified as a Variant of Uncertain Significance. Advanced modeling of protein sequence and biophysical properties (such as structural, functional, and spatial information, amino acid conservation, physicochemical variation, residue mobility, and thermodynamic stability) performed at Invitae indicates that this missense variant is not expected to disrupt SMAD2 protein function. This variant has not been reported in the literature in individuals affected with SMAD2-related conditions.